The following is an entry in ClinVar:

NM_000059.4(BRCA2):c.1514del (p.Ile505fs)

Gene: BRCA2 (BRCA2 DNA repair associated; plus strand). Cytogenetic location: 13q13.1.
Variant type: Deletion.
Coding change: c.1514del on transcript NM_000059.4 (MANE Select); coding-DNA position 1514, one base deleted (T; older notation c.1514delT).
Protein change: p.Ile505fs; shifts the reading frame from isoleucine 505.
Molecular consequence: frameshift variant.
Genome position (GRCh38, 1-based): chr13:32,332,992, T deleted. VCF-style (leftmost placement, unchanged base first): chr13-32332991-AT-A. GRCh37 (hg19) VCF-style: chr13-32907128-AT-A.
Other names: 1742delT; c.1514delT (NM_000059.3).
Identifiers: ClinVar variation 51137 (VCV000051137.13), dbSNP rs397507592, ClinGen allele CA012282.

ClinVar aggregate classification (germline): Pathogenic. Review status: reviewed by expert panel (3 of 4 stars). 3 submissions from 3 submitters: Pathogenic (1). 2 of the submissions do not count toward it. Last evaluated 2016-10-18.

Conditions:
Breast-ovarian cancer, familial, susceptibility to, 2 (BROVCA2). Also called: BRCA2 Hereditary Breast and Ovarian Cancer. Identifiers: Orphanet 145, MedGen C2675520, MONDO:0012933, OMIM 612555. Disease mechanism: loss of function.
Hereditary cancer-predisposing syndrome. Also called: Neoplastic Syndromes, Hereditary; Tumor predisposition; Hereditary Cancer Syndrome; Hereditary neoplastic syndrome. Identifiers: Orphanet 140162, MedGen C0027672, MeSH D009386, MONDO:0015356.

Submissions (3):

Evidence-based Network for the Interpretation of Germline Mutant Alleles (ENIGMA)
Classification: Pathogenic for Breast-ovarian cancer, familial, susceptibility to, 2. Last evaluated: 2016-10-18. Review status: reviewed by expert panel. Criteria: ENIGMA BRCA1/2 Classification Criteria (2015). Collection method: curation. Allele origin: germline.
Comment: Variant allele predicted to encode a truncated non-functional protein.

Color Diagnostics, LLC DBA Color Health
Classification: Pathogenic for Hereditary cancer-predisposing syndrome. Last evaluated: 2023-11-20. Review status: criteria provided, single submitter. Criteria: ACMG Guidelines, 2015. Collection method: clinical testing. Allele origin: germline. Not counted in ClinVar's aggregate classification.
Comment: This variant deletes 1 nucleotide in exon 10 of the BRCA2 gene, creating a frameshift and premature translation stop signal. This variant is expected to result in an absent or non-functional protein product. This variant has been reported in individuals affected with breast or ovarian cancer (PMID: 22217648, 22798144, 25863477, 34645131, 33471991; Leiden Open Variation Database DB-ID BRCA2_004232) and has been identified in 1 family among the CIMBA participants (PMID: 29446198). This variant has not been identified in the general population by the Genome Aggregation Database (gnomAD). Loss of BRCA2 function is a known mechanism of disease. Based on the available evidence, this variant is classified as Pathogenic.

Consortium of Investigators of Modifiers of BRCA1/2 (CIMBA), c/o University of Cambridge
Classification: Pathogenic for Breast-ovarian cancer, familial, susceptibility to, 2. Last evaluated: 2015-10-02. Review status: criteria provided, single submitter. Criteria: CIMBA Mutation Classification guidelines May 2016. Collection method: clinical testing. Allele origin: germline. Not counted in ClinVar's aggregate classification.

Literature cited by the submitters: PubMed 22217648 (cited by Color Diagnostics, LLC DBA Color Health); PubMed 22798144 (cited by Color Diagnostics, LLC DBA Color Health); PubMed 25863477 (cited by Color Diagnostics, LLC DBA Color Health); PubMed 29446198 (cited by Color Diagnostics, LLC DBA Color Health); PubMed 33471991 (cited by Color Diagnostics, LLC DBA Color Health); PubMed 34645131 (cited by Color Diagnostics, LLC DBA Color Health).